The following is an entry in ClinVar:

NM_000186.4(CFH):c.653G>A (p.Gly218Glu)

Gene: CFH (complement factor H; plus strand). Cytogenetic location: 1q31.3.
Variant type: single nucleotide variant.
Coding change: c.653G>A on transcript NM_000186.4 (MANE Select); coding-DNA position 653, G replaced by A.
Protein change: p.Gly218Glu; replaces glycine 218 with glutamic acid.
Molecular consequence: missense variant.
Genome position (GRCh38, 1-based): chr1:196,679,656, G>A. VCF-style: chr1-196679656-G-A. GRCh37 (hg19) VCF-style: chr1-196648786-G-A.
Other names: c.653G>A, p.Gly218Glu (NM_001014975.3); short protein forms G218E.
Identifiers: ClinVar variation 4291314 (VCV004291314.1).
Genomic context (GRCh38, chr1:196,679,656, plus strand): 5'-TTTTGGAATTTAATCCCTTTTATTTAGAAATTTCATGCAAATCCCCAGATGTTATAAATG[G>A]ATCTCCTATATCTCAGAAGATTATTTATAAGGAGAATGAACGATTTCAATATAAATGTAA-3'
Protein context (NP_000177.2, residues 208-228): ISCKSPDVIN[Gly218Glu]SPISQKIIYK

ClinVar aggregate classification (germline): Likely pathogenic, low penetrance (1 of 4 stars; one submission).

Conditions:
Atypical hemolytic-uremic syndrome. Identifiers: Orphanet 2134, MedGen C2931788, MONDO:0016244.

gnomAD v4.1: 1 of 1,605,512 alleles (0.000062%); no homozygotes.

Submission:

Genomenon, Inc
Classification: Likely pathogenic, low penetrance for Atypical hemolytic-uremic syndrome. Last evaluated: 2025-10-02. Review status: criteria provided, single submitter. Criteria: Genomenon Sequence Variant Interpretation Standards - Updated. Collection method: curation. Allele origin: germline. Affected: yes.
Comment: CFH p.Gly218Glu (c.653G>A) is a missense variant that changes the amino acid at residue 218 from Glycine to Glutamic acid. This variant has been observed in at least one proband affected with atypical hemolytic-uremic syndrome (PMID:20203157). At least one functional study has demonstrated a substantial alteration in protein function relative to the wild-type (PMID:34189567). It is absent or not present at a significant frequency in gnomAD. In conclusion, we classify CFH p.Gly218Glu (c.653G>A) as a likely pathogenic, low penetrance variant.

Literature cited by the submitters: PubMed 20203157; PubMed 34189567.